The following is an entry in ClinVar:

NM_004036.5(ADCY3):c.528C>G (p.Val176=)

Gene: ADCY3 (adenylate cyclase 3; minus strand). Cytogenetic location: 2p23.3.
Variant type: single nucleotide variant.
Coding change: c.528C>G on transcript NM_004036.5 (MANE Select); coding-DNA position 528, C replaced by G.
Protein change: p.Val176=; no amino-acid change (valine 176 retained).
Molecular consequence: synonymous variant.
Genome position (GRCh38, 1-based): chr2:24,918,460, G>C on the plus strand (C>G on the coding strand, the complement: ADCY3 is on the minus strand). VCF-style: chr2-24918460-G-C. GRCh37 (hg19) VCF-style: chr2-25141329-G-C.
Other names: c.528C>G, p.Val176= (NM_001320613.2, NM_001377128.1, NM_001377129.1 and 2 more transcripts).
Identifiers: ClinVar variation 3060327 (VCV003060327.12), dbSNP rs773378456, ClinGen allele CA1554489.
Genomic context (GRCh38, chr2:24,918,460, plus strand): 5'-GACCACGGAGATGATCACGATGGGGCTGAGGCTGAGGGGCAGCGTGATGAAGAAGGAGAA[G>C]ACAAAGAAGACCTGCCAGCCCACCGTGTCACTAGCCGCGTGGGCACGCGCGAAGTTCAGG-3'
Protein context (NP_004027.2, residues 166-186): SDTVGWQVFF[Val176=]FSFFITLPLS

ClinVar aggregate classification (germline): Likely benign. Review status: criteria provided, multiple submitters, no conflicts (2 of 4 stars). 3 submissions from 3 submitters: Likely benign (2). 1 of the submissions does not count toward it. Last evaluated 2025-06-01.

Conditions:
ADCY3-related disorder. Also called: ADCY3-related condition.

Allele frequency attached by ClinVar (database versions not stated): ExAC 0.00002; gnomAD exomes 0.00002; gnomAD 0.00003; TOPMed 0.00005.
gnomAD v4.1: 39 of 1,613,972 alleles (0.0024%); highest among the groups gnomAD compares: Admixed American, 0.01%; no homozygotes.

Submissions (3):

CeGaT Center for Human Genetics Tuebingen
Classification: Likely benign. Last evaluated: 2025-06-01. Review status: criteria provided, single submitter. Criteria: CeGaT Center For Human Genetics Tuebingen Variant Classification Criteria Version 2. Collection method: clinical testing. Allele origin: germline. Affected: yes. Observed: 1 variant allele.
Comment: ADCY3: BP4, BP7

Labcorp Genetics (formerly Invitae), Labcorp
Classification: Likely benign. Last evaluated: 2024-06-10. Review status: criteria provided, single submitter. Criteria: Invitae Variant Classification Sherloc (09022015). Collection method: clinical testing. Allele origin: germline.

PreventionGenetics, part of Exact Sciences
Classification: Likely benign for ADCY3-related condition. Last evaluated: 2020-10-05. Review status: no assertion criteria provided. Collection method: clinical testing. Allele origin: germline. Not counted in ClinVar's aggregate classification.
Comment: This variant is classified as likely benign based on ACMG/AMP sequence variant interpretation guidelines (Richards et al. 2015 PMID: 25741868, with internal and published modifications).